The following continues an entry in ClinVar:

NM_001844.5(COL2A1):c.1693C>T (p.Arg565Cys)

Gene: COL2A1. ClinVar aggregate classification (germline): Pathogenic/Likely pathogenic. Pathogenic (10); Likely pathogenic (4).

Submissions 10 to 16 of 16:

3billion
Classification: Pathogenic for Stickler syndrome, type I, nonsyndromic ocular. Last evaluated: 2022-01-03. Review status: criteria provided, single submitter. Criteria: ACMG Guidelines, 2015. Collection method: clinical testing. Allele origin: germline. Affected: yes. Observed: 1 heterozygote.
Comment: The variant has been previously reported as de novo in a similarly affected individual (PMID: 26747767, 27390512, 27390512, PS2_S). It has been observed in multiple (>3) similarly affected unrelated individuals(PMID: 26747767, 27390512, 27390512, PS4_S). In silico tool predictions suggest damaging effect of the variant on gene or gene product (REVEL: 0.687, 3CNET: 0.905, PP3_P). A missense variant is a common mechanism associated with Stickler sydrome (PP2_P). It is not observed in the gnomAD v2.1.1 dataset (PM2_M). Therefore, this variant is classified as pathogenic according to the recommendation of ACMG/AMP guideline.

Genetics and Molecular Pathology, SA Pathology
Classification: Likely pathogenic for Stickler syndrome type 1. Last evaluated: 2021-12-22. Review status: criteria provided, single submitter. Criteria: ACMG Guidelines, 2015. Collection method: clinical testing. Allele origin: germline. Affected: yes.

Illumina Laboratory Services, Illumina
Classification: Pathogenic for COL2A1-related disorders. Last evaluated: 2020-02-06. Review status: criteria provided, single submitter. Criteria: ICSLVariantClassificationCriteria RUGD 01 April 2020. Collection method: clinical testing. Allele origin: unknown.
Comment: The COL2A1 c.1693C>T (p.Arg565Cys) variant is a missense variant that has a well-documented association with Stickler syndrome. Across a selection of the available literature, this variant has been reported in a heterozygous state in at least eight affected individuals, including in a de novo state in one individual with confirmed parentage (Richards et al. 2000; Hoornaert et al. 2000; Wang et al. 2016; Zhou et al. 2018). This variant is not reported in the Genome Aggegation Database in a region of good sequencing coverage, indicating it is rare. The variant results in the substitution of a cysteine for an arginine in the X position of the Gly-X-Y repeat of the triple helical domain; this type of variant has been linked to ocular phenotypes. In addition to vitreous anomalies, myopia, and other ophthalmological anomalies, carriers of the p.Arg565Cys variant showed midface flattening, prominent eyes, low nasal bridge, and micrognathia. Mosaicism has been previously reported for COL2A1-related Stickler syndrome (Nagendran et al. 2012; Stevenson et al. 2012). Based on the cumulative evidence, the p.Arg565Cys variant is classified as pathogenic for COL2A1-related disorders.

Centre for Mendelian Genomics, University Medical Centre Ljubljana
Classification: Likely pathogenic for Achondrogenesis type II. Last evaluated: 2016-01-01. Review status: criteria provided, single submitter. Criteria: ACMG Guidelines, 2015. Collection method: clinical testing. Allele origin: unknown. Affected: yes.
Comment: This variant was classified as: Likely pathogenic. The following ACMG criteria were applied in classifying this variant: PM1,PM2,PP3,PP4,PP5.

Juno Genomics, Hangzhou Juno Genomics, Inc
Classification: Pathogenic for Multiple epiphyseal dysplasia, Beighton type; Vitreoretinopathy with phalangeal epiphyseal dysplasia; Achondrogenesis type II; Avascular necrosis of femoral head, primary, 1; Spondyloepiphyseal dysplasia with metatarsal shortening; Kniest dysplasia; Legg-Calve-Perthes disease; Namaqualand hip dysplasia; Platyspondylic dysplasia, Torrance type; Spondyloepiphyseal dysplasia congenita; Spondyloepimetaphyseal dysplasia, Strudwick type; Spondyloepiphyseal dysplasia, Stanescu type; Spondyloperipheral dysplasia; Stickler syndrome type 1; Stickler syndrome, type I, nonsyndromic ocular. Review status: criteria provided, single submitter. Criteria: ACMG Guidelines, 2015. Collection method: clinical testing. Allele origin: germline. Affected: yes.
Comment: Absent from controls (or at extremely low frequency if recessive) in Genome Aggregation Database, Exome Sequencing Project, 1000 Genomes Project, or Exome Aggregation Consortium.;Multiple lines of computational evidence support a deleterious effect on the gene or gene product (conservation, evolutionary, splicing impact, etc).;Missense variant in a gene that has a low rate of benign missense variation and where missense variants are a common mechanism of disease.;Co-segregation with disease in multiple affected family members in a gene definitively known to cause the disease.;Assumed de novo, but without confirmation of paternity and maternity.;The prevalence of the variant in affected individuals is significantly increased compared to the prevalence in controls.

PreventionGenetics, part of Exact Sciences
Classification: Pathogenic for COL2A1-related condition. Last evaluated: 2024-08-20. Review status: no assertion criteria provided. Collection method: clinical testing. Allele origin: germline. Not counted in ClinVar's aggregate classification.
Comment: The COL2A1 c.1693C>T variant is predicted to result in the amino acid substitution p.Arg565Cys. This variant, which is also referred to as R365C based on legacy nomenclature, has been reported in multiple individuals with Stickler syndrome (see example: Richards et al. 2000. PubMed ID: 11007540; Wang et al. 2016. PubMed ID: 27390512; Choi et al. 2021. PubMed ID: 34680973). In one family with Stickler syndrome this variant segregated with disease in multiple affected members (Tian et al. 2024. PubMed ID: 38073514) and in at least one other patient this variant has been reported to have occurred de novo in the mosaic state (Muirhead et al. 2021. PubMed ID: 34737199). Some patients with early onset myopia have also been reported with this variant (Sun et al. 2015. PubMed ID: 26747767; Zhou et al. 2018. PubMed ID: 30181686). This variant impacts the amino acid that occurs in the X position of the important Gly-X-Y motif of the collagen molecule and has been experimentally shown to form aggregates in cells grown in culture and increase the endoplasmic reticulum stress response (Tian et al. 2024. PubMed ID: 38073514). This variant has not been reported in a large population database, indicating this variant is rare. This variant is interpreted as pathogenic.

OMIM
Classification: Pathogenic for STICKLER SYNDROME, TYPE I. Last evaluated: 2000-11-01. Review status: no assertion criteria provided. Collection method: literature only. Allele origin: germline. Not counted in ClinVar's aggregate classification.

Literature cited by the submitters: PubMed 11007540 (cited by 4 submitters); PubMed 26747767 (cited by Labcorp Genetics (formerly Invitae), Labcorp and 3billion); PubMed 27390512 (cited by 4 submitters); PubMed 29453956 (cited by Labcorp Genetics (formerly Invitae), Labcorp); PubMed 15895462 (cited by Victorian Clinical Genetics Services, Murdoch Childrens Research Institute); PubMed 16752401 (cited by Victorian Clinical Genetics Services, Murdoch Childrens Research Institute); PubMed 20179744 (cited by Victorian Clinical Genetics Services, Murdoch Childrens Research Institute and Illumina Laboratory Services, Illumina); PubMed 27234559 (cited by Victorian Clinical Genetics Services, Murdoch Childrens Research Institute); PubMed 22522174 (cited by Illumina Laboratory Services, Illumina); PubMed 22496037 (cited by Illumina Laboratory Services, Illumina); PubMed 30181686 (cited by Illumina Laboratory Services, Illumina).